The following is an entry in ClinVar:

NM_005591.4(MRE11):c.315-15del

Gene: MRE11 (MRE11 double strand break repair nuclease; minus strand). Cytogenetic location: 11q21.
Variant type: Deletion.
Coding change: c.315-15del on transcript NM_005591.4 (MANE Select); 15 bases into the intron before coding-DNA position 315, one base deleted (C; older notation c.315-15delC).
Molecular consequence: intron variant.
Genome position (GRCh38, 1-based): chr11:94,479,776, G deleted on the plus strand (C on the coding strand, the reverse complement: MRE11 is on the minus strand). VCF-style (leftmost placement, unchanged base first): chr11-94479775-AG-A. GRCh37 (hg19) VCF-style: chr11-94212941-AG-A.
Other names: c.-154-15del (NM_001440487.1, NM_001440485.1, NM_001440486.1); c.240-15del (NM_001440472.1, NM_001440471.1, NM_001440479.1); c.315-15del (NM_001440469.1, NM_001440476.1, NM_001440465.1 and 18 more transcripts); c.314+6148del (NM_001440483.1, NM_001440484.1, NM_001440482.1).
Identifiers: ClinVar variation 4742915 (VCV004742915.1).

ClinVar aggregate classification (germline): Uncertain significance (1 of 4 stars; one submission).

Conditions:
Ataxia-telangiectasia-like disorder (ATLD). Identifiers: MedGen C1858391, MONDO:0011457.

Submission:

Labcorp Genetics (formerly Invitae), Labcorp
Classification: Uncertain significance for Ataxia-telangiectasia-like disorder. Last evaluated: 2025-05-27. Review status: criteria provided, single submitter. Criteria: Invitae Variant Classification Sherloc (09022015). Collection method: clinical testing. Allele origin: germline.
Comment: This sequence change falls in intron 4 of the MRE11 gene. It does not directly change the encoded amino acid sequence of the MRE11 protein. This variant is not present in population databases (gnomAD no frequency). This variant has not been reported in the literature in individuals affected with MRE11-related conditions. Algorithms developed to predict the effect of sequence changes on RNA splicing suggest that this variant may disrupt the consensus splice site. In summary, the available evidence is currently insufficient to determine the role of this variant in disease. Therefore, it has been classified as a Variant of Uncertain Significance.